The following is an entry in ClinVar:

ClinVar aggregate classification (germline): Uncertain significance (1 of 4 stars; one submission).

Conditions:
Inborn genetic diseases. Identifiers: MedGen C0950123, MeSH D030342.

Submission:

Ambry Genetics
Classification: Uncertain significance for Inborn genetic diseases. Last evaluated: 2025-06-12. Review status: criteria provided, single submitter. Criteria: Ambry Variant Classification Scheme 2023. Collection method: clinical testing. Allele origin: germline.
Comment: The p.K406T variant (also known as c.1217A>C), located in coding exon 5 of the GATA2 gene, results from an A to C substitution at nucleotide position 1217. The lysine at codon 406 is replaced by threonine, an amino acid with similar properties. This amino acid position is conserved. In addition, the in silico prediction for this alteration is inconclusive. Based on the available evidence, the clinical significance of this variant remains unclear.

NM_032638.5(GATA2):c.1217A>C (p.Lys406Thr)

Gene: GATA2 (GATA binding protein 2; minus strand). Cytogenetic location: 3q21.3.
Variant type: single nucleotide variant.
Coding change: c.1217A>C on transcript NM_032638.5 (MANE Select); coding-DNA position 1217, A replaced by C.
Protein change: p.Lys406Thr; replaces lysine 406 with threonine.
Molecular consequence: missense variant.
Genome position (GRCh38, 1-based): chr3:128,481,245, T>G on the plus strand (A>C on the coding strand, the complement: GATA2 is on the minus strand). VCF-style: chr3-128481245-T-G. GRCh37 (hg19) VCF-style: chr3-128200088-T-G.
Other names: c.1217A>C, p.Lys406Thr (NM_001145661.2); c.1175A>C, p.Lys392Thr (NM_001145662.1); short protein forms K406T, K392T.
Identifiers: ClinVar variation 4028460 (VCV004028460.1).
Genomic context (GRCh38, chr3:128,481,245, plus strand): 5'-GATGACTTCTCCTGCATGCACTTTGACAGCTCCTCGAAGCACTCCGCCCCTTTCTTGCTC[T>G]TCTTGGACTTGTTGGACATCTTCCGGTTCCGAGTCTGGATCCCTTCCTTCTTCATGGTCA-3'
Protein context (NP_116027.2, residues 396-416): RNRKMSNKSK[Lys406Thr]SKKGAECFEE